The following is an entry in ClinVar:

ClinVar aggregate classification (germline): Uncertain significance (1 of 4 stars; one submission).

Submission:

Labcorp Genetics (formerly Invitae), Labcorp
Classification: Uncertain significance. Last evaluated: 2024-10-12. Review status: criteria provided, single submitter. Criteria: Invitae Variant Classification Sherloc (09022015). Collection method: clinical testing. Allele origin: germline.
Comment: This sequence change replaces threonine, which is neutral and polar, with proline, which is neutral and non-polar, at codon 220 of the FGFRL1 protein (p.Thr220Pro). The frequency data for this variant in the population databases is considered unreliable, as metrics indicate poor data quality at this position in the gnomAD database. This variant has not been reported in the literature in individuals affected with FGFRL1-related conditions. An algorithm developed to predict the effect of missense changes on protein structure and function (PolyPhen-2) suggests that this variant is likely to be disruptive. In summary, the available evidence is currently insufficient to determine the role of this variant in disease. Therefore, it has been classified as a Variant of Uncertain Significance.

NM_001004356.3(FGFRL1):c.658A>C (p.Thr220Pro)

Gene: FGFRL1 (fibroblast growth factor receptor like 1; plus strand). Cytogenetic location: 4p16.3.
Variant type: single nucleotide variant.
Coding change: c.658A>C on transcript NM_001004356.3 (MANE Select); coding-DNA position 658, A replaced by C.
Protein change: p.Thr220Pro; replaces threonine 220 with proline.
Molecular consequence: missense variant.
Genome position (GRCh38, 1-based): chr4:1,024,041, A>C. VCF-style: chr4-1024041-A-C. GRCh37 (hg19) VCF-style: chr4-1017829-A-C.
Other names: c.658A>C, p.Thr220Pro (NM_021923.3, NM_001004358.1, NM_001370296.1); short protein forms T220P.
Identifiers: ClinVar variation 3664905 (VCV003664905.2).